The following is an entry in ClinVar:

NM_002972.4(SBF1):c.1637-3C>T

Gene: SBF1 (SET binding factor 1; minus strand). Cytogenetic location: 22q13.33.
Variant type: single nucleotide variant.
Coding change: c.1637-3C>T on transcript NM_002972.4 (MANE Select); 3 bases into the intron before coding-DNA position 1637, C replaced by T.
Molecular consequence: intron variant.
Genome position (GRCh38, 1-based): chr22:50,464,444, G>A on the plus strand (C>T on the coding strand, the complement: SBF1 is on the minus strand). VCF-style: chr22-50464444-G-A. GRCh37 (hg19) VCF-style: chr22-50902873-G-A.
Other names: p.?; c.1637-3C>T (NM_001410795.1); c.1640-3C>T (NM_001365819.1, NM_001410794.1).
Identifiers: ClinVar variation 4684501 (VCV004684501.1).

ClinVar aggregate classification (germline): Likely benign (1 of 4 stars; one submission).

Submission:

Mayo Clinic Laboratories, Mayo Clinic
Classification: Likely benign. Last evaluated: 2025-05-27. Review status: criteria provided, single submitter. Criteria: ACMG Guidelines, 2015. Collection method: clinical testing. Allele origin: germline. Observed: 1 variant allele.
Comment: BP4, BP7